The following is an entry in ClinVar:

ClinVar aggregate classification (germline): Pathogenic. Review status: criteria provided, single submitter (1 of 4 stars). 2 submissions from 2 submitters: Pathogenic (1). 1 of the submissions does not count toward it. Last evaluated 2022-06-22.

Conditions:
Dyskeratosis congenita, digenic (DKCD). Identifiers: MedGen C5774217, MONDO:0031057, OMIM 620040.
Dyskeratosis congenita. Identifiers: Orphanet 1775, MedGen C0265965, MONDO:0015780.

Allele frequency attached by ClinVar (database versions not stated): TOPMed below 0.00001; gnomAD exomes 0.00001.
gnomAD v4.1: 9 of 1,613,772 alleles (0.00056%); highest among the groups gnomAD compares: Non-Finnish European, 0.00068%; no homozygotes.

Submissions (2):

Bone Marrow Failure laboratory, Queen Mary University London
Classification: Pathogenic for Dyskeratosis congenita. Last evaluated: 2022-06-22. Review status: criteria provided, single submitter. Criteria: ACMG Guidelines, 2015. Collection method: research. Allele origin: germline. Inheritance: Oligogenic inheritance. Affected: yes.
Comment: The following ACMG/AMP criteria were used: PVS1, PM2_supporting, PP3

OMIM
Classification: Pathogenic for DYSKERATOSIS CONGENITA, DIGENIC. Last evaluated: 2022-09-22. Review status: no assertion criteria provided. Collection method: literature only. Allele origin: germline. Not counted in ClinVar's aggregate classification.

Literature cited by the submitters: PubMed 35931051 (cited by OMIM).

NM_001071.4(TYMS):c.343C>T (p.Arg115Ter)

Gene: TYMS (thymidylate synthetase; plus strand). Cytogenetic location: 18p11.32.
Variant type: single nucleotide variant.
Coding change: c.343C>T on transcript NM_001071.4 (MANE Select); coding-DNA position 343, C replaced by T.
Protein change: p.Arg115Ter; replaces arginine 115 with a stop codon.
Molecular consequence: nonsense. On other transcripts: intron variant (1).
Genome position (GRCh38, 1-based): chr18:662,209, C>T. VCF-style: chr18-662209-C-T. GRCh37 (hg19) VCF-style: chr18-662209-C-T.
Other names: c.343C>T, p.Arg115Ter (NM_001354867.2); c.205+4262C>T (NM_001354868.2); short protein forms R115*.
Identifiers: ClinVar variation 1693535 (VCV001693535.3), dbSNP rs2046518776, ClinGen allele CA401670183.
Genomic context (GRCh38, chr18:662,209, plus strand): 5'-TCCACAAATGCTAAAGAGCTGTCTTCCAAGGGAGTGAAAATCTGGGATGCCAATGGATCC[C>T]GAGACTTTTTGGACAGCCTGGGATTCTCCACCAGAGAAGAAGGGGACTTGGGCCCAGTTT-3'